The following is an entry in ClinVar:

NM_000543.5(SMPD1):c.1177T>G (p.Trp393Gly)

Gene: SMPD1 (sphingomyelin phosphodiesterase 1; plus strand). Cytogenetic location: 11p15.4.
Variant type: single nucleotide variant.
Coding change: c.1177T>G on transcript NM_000543.5 (MANE Select); coding-DNA position 1177, T replaced by G.
Protein change: p.Trp393Gly; replaces tryptophan 393 with glycine.
Molecular consequence: missense variant. On other transcripts: non-coding transcript variant (1), intron variant (1).
Genome position (GRCh38, 1-based): chr11:6,393,301, T>G. VCF-style: chr11-6393301-T-G. GRCh37 (hg19) VCF-style: chr11-6414531-T-G.
Other names: W391G; c.1174T>G, p.Trp392Gly (NM_001007593.3); c.1177T>G, p.Trp393Gly (NM_001318087.2); c.256T>G, p.Trp86Gly (NM_001318088.2); c.1132-316T>G (NM_001365135.2); short protein forms W393G, W86G, W392G.
Identifiers: ClinVar variation 2991 (VCV000002991.41), dbSNP rs120074125, ClinGen allele CA115899.

ClinVar aggregate classification (germline): Pathogenic. Review status: criteria provided, multiple submitters, no conflicts (2 of 4 stars). 8 submissions from 8 submitters: Pathogenic (6). 2 of the submissions do not count toward it. Last evaluated 2024-12-26.

Conditions:
Niemann-Pick disease, type A. Also called: SPHINGOMYELIN LIPIDOSIS; SPHINGOMYELINASE DEFICIENCY; Infantile Neurovisceral ASMD (Niemann-Pick Disease Type A; NPD-A). Identifiers: Orphanet 77292, MedGen C0268242, MONDO:0009756, OMIM 257200. Disease mechanism: loss of function.
Niemann-Pick disease, type B. Also called: Chronic Visceral ASMD (Niemann-Pick Disease Type B; NPD-B). Identifiers: Orphanet 77293, MedGen C0268243, MONDO:0011871, OMIM 607616. Disease mechanism: loss of function.
Sphingomyelin/cholesterol lipidosis. Also called: Niemann-Pick disease. Identifiers: MedGen C0028064, MONDO:0001982.
Niemann-pick disease, intermediate, protracted neurovisceral. Identifiers: MedGen C2675646.

Allele frequency attached by ClinVar (database versions not stated): gnomAD exomes below 0.00001.

Submissions (8):

Natera, Inc.
Classification: Pathogenic for Niemann-Pick Disease, Types A/B. Last evaluated: 2024-12-26. Review status: criteria provided, single submitter. Criteria: Natera Variant Classification Schema (03/2026). Collection method: clinical testing. Allele origin: germline.
Comment: The c.1177T>G variant in SMPD1 is a missense variant predicted to cause substitution of tryptophan to glycine at amino acid 393. This variant is rare in the general population with a frequency below the threshold expected for the associated phenotype(s). This variant has been observed in one or more individuals affected with the associated recessive disease, as either homozygous or compound heterozygous with a second variant (PMID: 17360762, 31160058). Additionally, this variant has been observed to segregate in affected family members (PMID: 17360762). Functional studies show that this variant may disrupt protein function (PMID: 7762557). Computational prediction algorithms indicate this variant is likely to affect gene or protein function. Given the available evidence, this variant is classified as Pathogenic.

CeGaT Center for Human Genetics Tuebingen
Classification: Pathogenic. Last evaluated: 2024-11-01. Review status: criteria provided, single submitter. Criteria: CeGaT Center For Human Genetics Tuebingen Variant Classification Criteria Version 2. Collection method: clinical testing. Allele origin: germline. Affected: yes. Observed: 4 variant alleles.
Comment: SMPD1: PP1:Strong, PM2, PM3, PM5, PP4:Moderate, PS3:Moderate, PP3

Fulgent Genetics
Classification: Pathogenic for Niemann-Pick disease, type A; Niemann-Pick disease, type B. Last evaluated: 2024-06-15. Review status: criteria provided, single submitter. Criteria: ACMG Guidelines, 2015. Collection method: clinical testing. Allele origin: germline.

Labcorp Genetics (formerly Invitae), Labcorp
Classification: Pathogenic for Niemann-Pick disease, type B; Niemann-Pick disease, type A. Last evaluated: 2023-11-13. Review status: criteria provided, single submitter. Criteria: Invitae Variant Classification Sherloc (09022015). Collection method: clinical testing. Allele origin: germline.
Comment: This sequence change replaces tryptophan, which is neutral and slightly polar, with glycine, which is neutral and non-polar, at codon 393 of the SMPD1 protein (p.Trp393Gly). This variant is present in population databases (rs120074125, gnomAD 0.0009%). This missense change has been observed in individuals with Niemann-Pick disease (PMID: 7762557, 17360762). It has also been observed to segregate with disease in related individuals. This variant is also known as W391G. ClinVar contains an entry for this variant (Variation ID: 2991). Advanced modeling of protein sequence and biophysical properties (such as structural, functional, and spatial information, amino acid conservation, physicochemical variation, residue mobility, and thermodynamic stability) performed at Invitae indicates that this missense variant is expected to disrupt SMPD1 protein function with a positive predictive value of 95%. Experimental studies have shown that this missense change affects SMPD1 function (PMID: 7762557). For these reasons, this variant has been classified as Pathogenic.

Baylor Genetics
Classification: Pathogenic for Niemann-Pick disease, type A. Last evaluated: 2023-10-24. Review status: criteria provided, single submitter. Criteria: ACMG Guidelines, 2015. Collection method: clinical testing. Allele origin: unknown.

Broad Center for Mendelian Genomics, Broad Institute of MIT and Harvard
Classification: Pathogenic for Sphingomyelin/cholesterol lipidosis. Last evaluated: 2020-01-22. Review status: criteria provided, single submitter. Criteria: ACMG Guidelines, 2015. Collection method: curation. Allele origin: germline. Inheritance: Autosomal recessive inheritance.
Comment: The p.Trp393Gly variant in SMPD1 (also known as p.Trp391Gly due to a difference in cDNA numbering) has been reported in at least 25 individuals with Niemann-Pick disease, segregated with disease in 11 affected relatives from 3 families (PMID: 7762557, 17360762), and has been identified in 0.0002% (1/113046) of European (non-Finnish) chromosomes by the Genome Aggregation Database (gnomAD; dbSNP rs120074125). Although this variant has been seen in the general population, its frequency is low enough to be consistent with a recessive carrier frequency. This variant has also been reported in ClinVar (VariationID: 2991) as pathogenic by Counsyl and OMIM. In vitro functional studies provide some evidence that the p.Trp393Gly variant may impact protein function (PMID: 7762557). However, these types of assays may not accurately represent biological function. Computational prediction tools and conservation analyses suggest that this variant may impact the protein, though this information is not predictive enough to determine pathogenicity. The presence of this variant in at least 25 affected homozygotes increases the likelihood that the p.Trp393Gly variant is pathogenic (PMID: 7762557, 17360762). The phenotype of individuals homozygous for this variant is highly specific for Niemann-Pick disease based on acid sphingomyelinase activity being <10% of normal, consistent with disease (PMID: 7762557). In summary, this variant meets criteria to be classified as pathogenic for Niemann-Pick disease in an autosomal recessive manner based on its presence in related and unrelated affected homozygotes, functional studies, and the phenotype of individuals with the variant being highly specific for disease. ACMG/AMP Criteria applied: PP1_strong, PS3, PM2, PM3, PP3, PP4 (Richards 2015).

Counsyl
Classification: Pathogenic for Niemann-Pick disease, type A. Last evaluated: 2016-08-17. Review status: no assertion criteria provided. Collection method: clinical testing. Allele origin: unknown. Not counted in ClinVar's aggregate classification.

OMIM
Classification: Pathogenic for NIEMANN-PICK DISEASE, INTERMEDIATE, PROTRACTED NEUROVISCERAL. Last evaluated: 1995-06-01. Review status: no assertion criteria provided. Collection method: literature only. Allele origin: germline. Not counted in ClinVar's aggregate classification.

Literature cited by the submitters: PubMed 17360762 (cited by 4 submitters); PubMed 31160058 (cited by Natera, Inc.); PubMed 7762557 (cited by 5 submitters); PubMed 8051942 (cited by OMIM).